The following is an entry in ClinVar:

ClinVar aggregate classification (germline): Uncertain significance (1 of 4 stars; one submission).

Conditions:
Candidiasis, familial, 6 (CANDF6). Also called: Candidiasis, familial, 6, autosomal dominant. Identifiers: Orphanet 1334, MedGen C3151405, MONDO:0013503, OMIM 613956.

Submission:

Labcorp Genetics (formerly Invitae), Labcorp
Classification: Uncertain significance for Candidiasis, familial, 6. Last evaluated: 2022-01-15. Review status: criteria provided, single submitter. Criteria: Invitae Variant Classification Sherloc (09022015). Collection method: clinical testing. Allele origin: germline.
Comment: This sequence change replaces alanine, which is neutral and non-polar, with valine, which is neutral and non-polar, at codon 23 of the IL17F protein (p.Ala23Val). This variant is not present in population databases (gnomAD no frequency). This variant has not been reported in the literature in individuals affected with IL17F-related conditions. Algorithms developed to predict the effect of missense changes on protein structure and function (SIFT, PolyPhen-2, Align-GVGD) all suggest that this variant is likely to be tolerated. In summary, the available evidence is currently insufficient to determine the role of this variant in disease. Therefore, it has been classified as a Variant of Uncertain Significance.

NM_052872.4(IL17F):c.68C>T (p.Ala23Val)

Gene: IL17F (interleukin 17F; minus strand). Cytogenetic location: 6p12.2.
Variant type: single nucleotide variant.
Coding change: c.68C>T on transcript NM_052872.4 (MANE Select); coding-DNA position 68, C replaced by T.
Protein change: p.Ala23Val; replaces alanine 23 with valine.
Molecular consequence: missense variant.
Genome position (GRCh38, 1-based): chr6:52,238,916, G>A on the plus strand (C>T on the coding strand, the complement: IL17F is on the minus strand). VCF-style: chr6-52238916-G-A. GRCh37 (hg19) VCF-style: chr6-52103714-G-A.
Other names: short protein forms A23V.
Identifiers: ClinVar variation 2083616 (VCV002083616.4), dbSNP rs2128267834, ClinGen allele CA364445256.